The following is an entry in ClinVar:

ClinVar aggregate classification (germline): Likely benign (1 of 4 stars; one submission).

Conditions:
ADCY3-related disorder. Also called: ADCY3-related condition.

gnomAD v4.1: 4 of 1,613,230 alleles (0.00025%); highest among the groups gnomAD compares: African/African-American, 0.0013%; no homozygotes.

Submission:

PreventionGenetics, part of Exact Sciences
Classification: Likely benign for ADCY3-related condition. Last evaluated: 2025-01-13. Review status: criteria provided, single submitter. Criteria: ACMG Guidelines, 2015. Collection method: clinical testing. Allele origin: germline.
Comment: This variant is classified as likely benign based on ACMG/AMP sequence variant interpretation guidelines (Richards et al. 2015 PMID: 25741868, with internal and published modifications).

NM_004036.5(ADCY3):c.3004-9C>T

Genes: ADCY3 (adenylate cyclase 3; minus strand), CENPO (centromere protein O; plus strand). Cytogenetic location: 2p23.3.
Variant type: single nucleotide variant.
Coding change: c.3004-9C>T on transcript NM_004036.5 (MANE Select); 9 bases into the intron before coding-DNA position 3004, C replaced by T.
Molecular consequence: intron variant. On other transcripts: 3 prime UTR variant (3), non-coding transcript variant (3).
Genome position (GRCh38, 1-based): chr2:24,821,649, G>A on the plus strand (C>T on the coding strand, the complement: ADCY3 is on the minus strand). VCF-style: chr2-24821649-G-A. GRCh37 (hg19) VCF-style: chr2-25044518-G-A.
Other names: c.*2331G>A (NM_001199803.3, NM_001322101.2, NM_024322.4); c.2452-9C>T (NM_001377130.1); c.2866-9C>T (NM_001377129.1); c.3007-9C>T (NM_001320613.2); c.3070-9C>T (NM_001377128.1); c.3004-9C>T (NM_001377132.1); c.2281-9C>T (NM_001377131.1).
Identifiers: ClinVar variation 4977734 (VCV004977734.1).